The following is an entry in ClinVar:

NM_000834.5(GRIN2B):c.2150C>T (p.Ala717Val)

Gene: GRIN2B (glutamate ionotropic receptor NMDA type subunit 2B; minus strand). Cytogenetic location: 12p13.1.
Variant type: single nucleotide variant.
Coding change: c.2150C>T on transcript NM_000834.5 (MANE Select); coding-DNA position 2150, C replaced by T.
Protein change: p.Ala717Val; replaces alanine 717 with valine.
Molecular consequence: missense variant.
Genome position (GRCh38, 1-based): chr12:13,571,825, G>A on the plus strand (C>T on the coding strand, the complement: GRIN2B is on the minus strand). VCF-style: chr12-13571825-G-A. GRCh37 (hg19) VCF-style: chr12-13724759-G-A.
Other names: short protein forms A717V.
Identifiers: ClinVar variation 1401421 (VCV001401421.8), dbSNP rs2136415648, ClinGen allele CA383998855.
Genomic context (GRCh38, chr12:13,571,825, plus strand): 5'-AAACAGATCAAGGACTCTGAGCTTGGAAGCAGTTCTTACCCTGTTTTCAGGGAGAGCAAT[G>A]CATCATCTACACCCCTCTGGTTGAACTTTCCCATGTAGGCATGCATTTCTGCATAGTTAT-3'
Protein context (NP_000825.2, residues 707-727): GKFNQRGVDD[Ala717Val]LLSLKTGKLD

ClinVar aggregate classification (germline): Pathogenic (1 of 4 stars; one submission).

Conditions:
Intellectual developmental disorder, autosomal dominant 6, with or without seizures. Also called: GRIN2B-related developmental delay, intellectual disability and autism spectrum disorder; Intellectual disability, autosomal dominant 6. Identifiers: Orphanet 589547, MedGen C3151411, MONDO:0013509, OMIM 613970.
Developmental and epileptic encephalopathy, 27 (DEE27). Also called: GRIN2B-Related Neurodevelopmental Disorder; Epileptic encephalopathy, early infantile, 27. Identifiers: Orphanet 3451, MedGen C4015316, MONDO:0014505, OMIM 616139.

Submission:

Labcorp Genetics (formerly Invitae), Labcorp
Classification: Pathogenic for Developmental and epileptic encephalopathy, 27; Intellectual developmental disorder, autosomal dominant 6, with or without seizures. Last evaluated: 2020-10-31. Review status: criteria provided, single submitter. Criteria: Invitae Variant Classification Sherloc (09022015). Collection method: clinical testing. Allele origin: germline.
Comment: For these reasons, this variant has been classified as Pathogenic. Advanced modeling of protein sequence and biophysical properties (such as structural, functional, and spatial information, amino acid conservation, physicochemical variation, residue mobility, and thermodynamic stability) performed at Invitae indicates that this missense variant is expected to disrupt GRIN2B protein function. This variant has been observed in individual(s) with clinical features of GRIN2B-related conditions (Invitae). In at least one individual the variant was observed to be de novo. This variant is not present in population databases (ExAC no frequency). This sequence change replaces alanine with valine at codon 717 of the GRIN2B protein (p.Ala717Val). The alanine residue is highly conserved and there is a small physicochemical difference between alanine and valine.